The following is an entry in ClinVar:

NM_001379500.1(COL18A1):c.1283C>T (p.Pro428Leu)

Gene: COL18A1 (collagen type XVIII alpha 1 chain; plus strand). Cytogenetic location: 21q22.3.
Variant type: single nucleotide variant.
Coding change: c.1283C>T on transcript NM_001379500.1 (MANE Select); coding-DNA position 1283, C replaced by T.
Protein change: p.Pro428Leu; replaces proline 428 with leucine.
Molecular consequence: missense variant.
Genome position (GRCh38, 1-based): chr21:45,479,936, C>T. VCF-style: chr21-45479936-C-T. GRCh37 (hg19) VCF-style: chr21-46899850-C-T.
Other names: c.1823C>T, p.Pro608Leu (NM_030582.4); c.2528C>T, p.Pro843Leu (NM_130444.3); short protein forms P608L, P428L, P843L.
Identifiers: ClinVar variation 1368635 (VCV001368635.3), dbSNP rs1394559173, ClinGen allele CA410516723.
Genomic context (GRCh38, chr21:45,479,936, plus strand): 5'-CCGGGCCCCCGGATGTTGTGTTCCAGGGCGACACCGGGCCACAAGGCTTCCCCGGGACTC[C>T]AGGGGACGTAGGTCCCAAGGGCGACAAGGTGAGTCTCCGTGGCTGGGTGGGGCCCCTTCC-3'
Protein context (NP_001366429.1, residues 418-438): DTGPQGFPGT[Pro428Leu]GDVGPKGDKG

ClinVar aggregate classification (germline): Uncertain significance (1 of 4 stars; one submission).

Allele frequency attached by ClinVar (database versions not stated): gnomAD exomes 0.00001 and 0.00002; TOPMed 0.00002; gnomAD 0.00003.
gnomAD v4.1: 10 of 1,613,706 alleles (0.00062%); highest among the groups gnomAD compares: Admixed American, 0.0067%; no homozygotes.

Submission:

Labcorp Genetics (formerly Invitae), Labcorp
Classification: Uncertain significance. Last evaluated: 2022-07-06. Review status: criteria provided, single submitter. Criteria: Invitae Variant Classification Sherloc (09022015). Collection method: clinical testing. Allele origin: germline.
Comment: This sequence change replaces proline, which is neutral and non-polar, with leucine, which is neutral and non-polar, at codon 428 of the COL18A1 protein (p.Pro428Leu). This variant is present in population databases (no rsID available, gnomAD 0.006%). This variant has not been reported in the literature in individuals affected with COL18A1-related conditions. ClinVar contains an entry for this variant (Variation ID: 1368635). Experimental studies and prediction algorithms are not available or were not evaluated, and the functional significance of this variant is currently unknown. In summary, the available evidence is currently insufficient to determine the role of this variant in disease. Therefore, it has been classified as a Variant of Uncertain Significance.